The following is an entry in ClinVar:

ClinVar aggregate classification (germline): Uncertain significance (1 of 4 stars; one submission).

Submission:

GeneDx
Classification: Uncertain significance. Last evaluated: 2026-03-22. Review status: criteria provided, single submitter. Criteria: GeneDx Variant Classification Process June 2021. Collection method: clinical testing. Allele origin: germline.
Comment: Not observed at significant frequency in large population cohorts (gnomAD); In silico analysis supports that this missense variant has a deleterious effect on protein structure/function; In silico analysis supports a deleterious effect on splicing; Has not been previously published as pathogenic or benign to our knowledge

NM_014847.4(UBAP2L):c.1858G>A (p.Gly620Ser)

Gene: UBAP2L (ubiquitin associated protein 2 like; plus strand). Cytogenetic location: 1q21.3.
Variant type: single nucleotide variant.
Coding change: c.1858G>A on transcript NM_014847.4 (MANE Select); coding-DNA position 1858, G replaced by A.
Protein change: p.Gly620Ser; replaces glycine 620 with serine.
Molecular consequence: missense variant.
Genome position (GRCh38, 1-based): chr1:154,254,839, G>A. VCF-style: chr1-154254839-G-A. GRCh37 (hg19) VCF-style: chr1-154227315-G-A.
Other names: c.1858G>A, p.Gly620Ser (NM_001127320.3, NM_001375614.1, NM_001375615.1 and 14 more transcripts); c.1837G>A, p.Gly613Ser (NM_001287815.1); c.1891G>A, p.Gly631Ser (NM_001287816.1, NM_001330730.1, NM_001375612.1 and 2 more transcripts); short protein forms G613S, G620S, G631S.
Identifiers: ClinVar variation 5017218 (VCV005017218.1).